The following is an entry in ClinVar:

ClinVar aggregate classification (germline): Uncertain significance. Review status: criteria provided, multiple submitters, no conflicts (2 of 4 stars). 2 submissions from 2 submitters: Uncertain significance (2). Last evaluated 2024-07-30.

Conditions:
Diabetes mellitus, transient neonatal, 3 (TNDM3). Identifiers: Orphanet 99886, MedGen C1864623, MONDO:0012522, OMIM 610582. Disease mechanism: loss of function.
Type 2 diabetes mellitus. Also called: Type II diabetes mellitus. Identifiers: MedGen C0011860, MeSH D003924, MONDO:0005148, OMIM 125853, HP:0005978.
Diabetes mellitus, permanent neonatal 2. Also called: KCNJ11-Related Permanent Neonatal Diabetes Mellitus. Identifiers: MedGen C5394296, MONDO:0030087, OMIM 618856.
Hyperinsulinemic hypoglycemia, familial, 2. Also called: HYPERINSULINEMIC HYPOGLYCEMIA, PERSISTENT; HYPERINSULINISM, NEONATAL. Identifiers: Orphanet 276580, Orphanet 276603, MedGen C2931833, MONDO:0011153, OMIM 601820. Disease mechanism: loss of function.
Maturity-onset diabetes of the young type 13. Also called: MODY, TYPE 13. Identifiers: Orphanet 552, MedGen C4225365, MONDO:0014589, OMIM 616329.

Submissions (2):

ARUP Laboratories, Molecular Genetics and Genomics, ARUP Laboratories
Classification: Uncertain significance. Last evaluated: 2024-07-30. Review status: criteria provided, single submitter. Criteria: ARUP Molecular Germline Variant Investigation Process 2024. Collection method: clinical testing. Allele origin: germline.
Comment: The KCNJ11 c.817A>G; p.Ser273Gly variant (rs751068069), to our knowledge, is not reported in the medical literature in association with diabetes or reported in gene specific databases. This variant is observed in the general population with an overall allele frequency of 0.001% (3/251356 alleles) in the Genome Aggregation Database (v2.1.1). Computational analyses are uncertain whether this variant is neutral or deleterious (REVEL: 0.191). Due to limited information, the clinical significance of this variant is uncertain at this time.

Fulgent Genetics
Classification: Uncertain significance for Type 2 diabetes mellitus; Hyperinsulinemic hypoglycemia, familial, 2; Diabetes mellitus, transient neonatal, 3; Maturity-onset diabetes of the young type 13; Diabetes mellitus, permanent neonatal 2. Last evaluated: 2024-03-05. Review status: criteria provided, single submitter. Criteria: ACMG Guidelines, 2015. Collection method: clinical testing. Allele origin: germline.

NM_000525.4(KCNJ11):c.817A>G (p.Ser273Gly)

Gene: KCNJ11 (potassium inwardly rectifying channel subfamily J member 11; minus strand). Cytogenetic location: 11p15.1.
Variant type: single nucleotide variant.
Coding change: c.817A>G on transcript NM_000525.4 (MANE Select); coding-DNA position 817, A replaced by G.
Protein change: p.Ser273Gly; replaces serine 273 with glycine.
Molecular consequence: missense variant.
Genome position (GRCh38, 1-based): chr11:17,387,275, T>C on the plus strand (A>G on the coding strand, the complement: KCNJ11 is on the minus strand). VCF-style: chr11-17387275-T-C. GRCh37 (hg19) VCF-style: chr11-17408822-T-C.
Other names: c.556A>G, p.Ser186Gly (NM_001166290.2, NM_001377296.1, NM_001377297.1); short protein forms S186G, S273G.
Identifiers: ClinVar variation 3599277 (VCV003599277.2).